The following is an entry in ClinVar:

ClinVar aggregate classification (germline): Uncertain significance. Review status: criteria provided, multiple submitters, no conflicts (2 of 4 stars). 2 submissions from 2 submitters: Uncertain significance (2). Last evaluated 2025-11-07.

Submissions (2):

Dasa
Classification: Uncertain significance. Last evaluated: 2025-11-07. Review status: criteria provided, single submitter. Criteria: DASA Assertion Criteria. Collection method: clinical testing. Allele origin: germline.
Comment: NM_001142800.2(EYS):c.5815A>T (p.Ile1939Phe) is a missense variant that results in the substitution of isoleucine with phenylalanine. This variant is absent from population databases. The currently available literature and clinical evidence are not sufficient to establish a definitive association between this variant and the reported condition. Therefore, this variant is classified as a variant of uncertain significance.

Labcorp Genetics (formerly Invitae), Labcorp
Classification: Uncertain significance. Last evaluated: 2021-10-11. Review status: criteria provided, single submitter. Criteria: Invitae Variant Classification Sherloc (09022015). Collection method: clinical testing. Allele origin: germline.
Comment: This sequence change replaces isoleucine with phenylalanine at codon 1939 of the EYS protein (p.Ile1939Phe). The isoleucine residue is moderately conserved and there is a small physicochemical difference between isoleucine and phenylalanine. This variant is not present in population databases (ExAC no frequency). This variant has not been reported in the literature in individuals affected with EYS-related conditions. Algorithms developed to predict the effect of missense changes on protein structure and function are either unavailable or do not agree on the potential impact of this missense change (SIFT: "Deleterious"; PolyPhen-2: "Probably Damaging"; Align-GVGD: "Class C0"). In summary, the available evidence is currently insufficient to determine the role of this variant in disease. Therefore, it has been classified as a Variant of Uncertain Significance.

NM_001142800.2(EYS):c.5815A>T (p.Ile1939Phe)

Gene: EYS (EGF-like photoreceptor maintenance factor; minus strand). Cytogenetic location: 6q12.
Variant type: single nucleotide variant.
Coding change: c.5815A>T on transcript NM_001142800.2 (MANE Select); coding-DNA position 5815, A replaced by T.
Protein change: p.Ile1939Phe; replaces isoleucine 1939 with phenylalanine.
Molecular consequence: missense variant.
Genome position (GRCh38, 1-based): chr6:64,439,182, T>A on the plus strand (A>T on the coding strand, the complement: EYS is on the minus strand). VCF-style: chr6-64439182-T-A. GRCh37 (hg19) VCF-style: chr6-65149075-T-A.
Other names: c.5815A>T, p.Ile1939Phe (NM_001292009.2); short protein forms I1939F.
Identifiers: ClinVar variation 1414332 (VCV001414332.5), dbSNP rs2150466312, ClinGen allele CA364392540.